The following is an entry in ClinVar:

ClinVar aggregate classification (germline): Uncertain significance (1 of 4 stars; one submission).

Submission:

Labcorp Genetics (formerly Invitae), Labcorp
Classification: Uncertain significance. Last evaluated: 2024-03-16. Review status: criteria provided, single submitter. Criteria: Invitae Variant Classification Sherloc (09022015). Collection method: clinical testing. Allele origin: germline.
Comment: This sequence change replaces phenylalanine, which is neutral and non-polar, with isoleucine, which is neutral and non-polar, at codon 535 of the TNNI3K protein (p.Phe535Ile). This variant is not present in population databases (gnomAD no frequency). This variant has not been reported in the literature in individuals affected with TNNI3K-related conditions. Advanced modeling of protein sequence and biophysical properties (such as structural, functional, and spatial information, amino acid conservation, physicochemical variation, residue mobility, and thermodynamic stability) performed at Invitae indicates that this missense variant is not expected to disrupt TNNI3K protein function with a negative predictive value of 80%. In summary, the available evidence is currently insufficient to determine the role of this variant in disease. Therefore, it has been classified as a Variant of Uncertain Significance.

NM_015978.3(TNNI3K):c.1603T>A (p.Phe535Ile)

Genes: TNNI3K (TNNI3 interacting kinase; plus strand), FPGT-TNNI3K (FPGT-TNNI3K readthrough; plus strand). Cytogenetic location: 1p31.1.
Variant type: single nucleotide variant.
Coding change: c.1603T>A on transcript NM_015978.3 (MANE Select); coding-DNA position 1603, T replaced by A.
Protein change: p.Phe535Ile; replaces phenylalanine 535 with isoleucine.
Molecular consequence: missense variant.
Genome position (GRCh38, 1-based): chr1:74,369,521, T>A. VCF-style: chr1-74369521-T-A. GRCh37 (hg19) VCF-style: chr1-74835205-T-A.
Other names: c.1906T>A, p.Phe636Ile (NM_001112808.3, NM_001199327.2); short protein forms F636I, F535I.
Identifiers: ClinVar variation 3646176 (VCV003646176.2).